The following is an entry in ClinVar:

ClinVar aggregate classification (germline): Uncertain significance (0 of 4 stars; one submission).

Conditions:
TSHZ3-related disorder. Also called: TSHZ3-related condition.

Submission:

PreventionGenetics, part of Exact Sciences
Classification: Uncertain significance for TSHZ3-related condition. Last evaluated: 2024-09-20. Review status: no assertion criteria provided. Collection method: clinical testing. Allele origin: germline.
Comment: The TSHZ3 c.1127G>A variant is predicted to result in premature protein termination (p.Trp376*). To our knowledge, this variant has not been reported in the literature or in a large population database, indicating this variant is rare. At this time, the clinical significance of this variant is uncertain due to the absence of conclusive functional and genetic evidence.

NM_020856.4(TSHZ3):c.1127G>A (p.Trp376Ter)

Gene: TSHZ3 (teashirt zinc finger homeobox 3; minus strand). Cytogenetic location: 19q12.
Variant type: single nucleotide variant.
Coding change: c.1127G>A on transcript NM_020856.4 (MANE Select); coding-DNA position 1127, G replaced by A.
Protein change: p.Trp376Ter; replaces tryptophan 376 with a stop codon.
Molecular consequence: nonsense.
Genome position (GRCh38, 1-based): chr19:31,278,666, C>T on the plus strand (G>A on the coding strand, the complement: TSHZ3 is on the minus strand). VCF-style: chr19-31278666-C-T. GRCh37 (hg19) VCF-style: chr19-31769572-C-T.
Other names: short protein forms W376*.
Identifiers: ClinVar variation 3354549 (VCV003354549.1).